The following is an entry in ClinVar:

NM_007214.5(SEC63):c.*1398A>C

Gene: SEC63 (SEC63 homolog, protein translocation regulator; minus strand). Cytogenetic location: 6q21.
Variant type: single nucleotide variant.
Coding change: c.*1398A>C on transcript NM_007214.5 (MANE Select); 1398 bases downstream of the stop codon, A replaced by C.
Molecular consequence: 3 prime UTR variant.
Genome position (GRCh38, 1-based): chr6:107,870,306, T>G on the plus strand (A>C on the coding strand, the complement: SEC63 is on the minus strand). VCF-style: chr6-107870306-T-G. GRCh37 (hg19) VCF-style: chr6-108191510-T-G.
Identifiers: ClinVar variation 354871 (VCV000354871.5), dbSNP rs556907, ClinGen allele CA10625590.
Genomic context (GRCh38, chr6:107,870,306, plus strand): 5'-AACTGCTTTCACCCTTTTATAGGAAATATTACATCTTAAATTTAGAACCAAAAAAACCAT[T>G]CATGGTTTTGCTAATTTTCACATTTTATTTCCAACTATTGCAGTAACAAGATGCCGGTAG-3'

ClinVar aggregate classification (germline): Benign (1 of 4 stars; one submission).

Conditions:
Polycystic liver disease 2 (PCLD2). Also called: Polycystic liver disease 2 with or without kidney cysts. Identifiers: Orphanet 2924, MedGen C4310769, MONDO:0014860, OMIM 617004.

Allele frequency attached by ClinVar (database versions not stated): 1000 Genomes Project 30x 0.86805; gnomAD 0.88211 and 0.88055; TOPMed 0.88527; gnomAD exomes 0.83484; 1000 Genomes Project 0.86302.
gnomAD v4.1: 134,335 of 152,634 alleles (88%); highest among the groups gnomAD compares: Middle Eastern, 92%; 59,269 homozygotes.

Submission:

Illumina Laboratory Services, Illumina
Classification: Benign for Polycystic liver disease 2. Last evaluated: 2018-01-13. Review status: criteria provided, single submitter. Criteria: ICSL Variant Classification Criteria 13 December 2019. Collection method: clinical testing. Allele origin: germline.
Comment: This variant was observed in the ICSL laboratory as part of a predisposition screen in an ostensibly healthy population. It had not been previously curated by ICSL or reported in the Human Gene Mutation Database (HGMD: prior to June 1st, 2018), and was therefore a candidate for classification through an automated scoring system. Utilizing variant allele frequency, disease prevalence and penetrance estimates, and inheritance mode, an automated score was calculated to assess if this variant is too frequent to cause the disease. Based on the score and internal cut-off values, a variant classified as benign is not then subjected to further curation. The score for this variant resulted in a classification of benign for this disease.